The following is an entry in ClinVar:

ClinVar aggregate classification (germline): Uncertain significance (1 of 4 stars; one submission).

Allele frequency attached by ClinVar (database versions not stated): gnomAD exomes below 0.00001; ExAC 0.00001.
gnomAD v4.1: 2 of 1,614,142 alleles (0.00012%); highest among the groups gnomAD compares: East Asian, 0.0022%; no homozygotes.

Submission:

Labcorp Genetics (formerly Invitae), Labcorp
Classification: Uncertain significance. Last evaluated: 2022-09-27. Review status: criteria provided, single submitter. Criteria: Invitae Variant Classification Sherloc (09022015). Collection method: clinical testing. Allele origin: germline.
Comment: This sequence change replaces arginine, which is basic and polar, with threonine, which is neutral and polar, at codon 593 of the ERCC6 protein (p.Arg593Thr). This variant is present in population databases (rs746568207, gnomAD 0.006%). This variant has not been reported in the literature in individuals affected with ERCC6-related conditions. Advanced modeling of protein sequence and biophysical properties (such as structural, functional, and spatial information, amino acid conservation, physicochemical variation, residue mobility, and thermodynamic stability) performed at Invitae indicates that this missense variant is expected to disrupt ERCC6 protein function. In summary, the available evidence is currently insufficient to determine the role of this variant in disease. Therefore, it has been classified as a Variant of Uncertain Significance.

NM_000124.4(ERCC6):c.1778G>C (p.Arg593Thr)

Gene: ERCC6 (ERCC excision repair 6, chromatin remodeling factor; minus strand). Cytogenetic location: 10q11.23.
Variant type: single nucleotide variant.
Coding change: c.1778G>C on transcript NM_000124.4 (MANE Select); coding-DNA position 1778, G replaced by C.
Protein change: p.Arg593Thr; replaces arginine 593 with threonine.
Molecular consequence: missense variant.
Genome position (GRCh38, 1-based): chr10:49,493,160, C>G on the plus strand (G>C on the coding strand, the complement: ERCC6 is on the minus strand). VCF-style: chr10-49493160-C-G. GRCh37 (hg19) VCF-style: chr10-50701206-C-G.
Other names: c.1778G>C, p.Arg593Thr (NM_001346440.2); short protein forms R593T.
Identifiers: ClinVar variation 2165880 (VCV002165880.1), dbSNP rs746568207, ClinGen allele CA5495866.